The following is an entry in ClinVar:

ClinVar aggregate classification (germline): Uncertain significance (1 of 4 stars; one submission).

Submission:

Labcorp Genetics (formerly Invitae), Labcorp
Classification: Uncertain significance. Last evaluated: 2024-09-22. Review status: criteria provided, single submitter. Criteria: Invitae Variant Classification Sherloc (09022015). Collection method: clinical testing. Allele origin: germline.
Comment: This sequence change replaces histidine, which is basic and polar, with proline, which is neutral and non-polar, at codon 231 of the P4HB protein (p.His231Pro). This variant is not present in population databases (gnomAD no frequency). This missense change has been observed in individual(s) with P4HB-related conditions (PMID: 30948499). Invitae Evidence Modeling of protein sequence and biophysical properties (such as structural, functional, and spatial information, amino acid conservation, physicochemical variation, residue mobility, and thermodynamic stability) indicates that this missense variant is not expected to disrupt P4HB protein function with a negative predictive value of 80%. In summary, the available evidence is currently insufficient to determine the role of this variant in disease. Therefore, it has been classified as a Variant of Uncertain Significance.

Literature cited by the submitters: PubMed 30948499.

NM_000918.4(P4HB):c.692A>C (p.His231Pro)

Gene: P4HB (prolyl 4-hydroxylase subunit beta; minus strand). Cytogenetic location: 17q25.3.
Variant type: single nucleotide variant.
Coding change: c.692A>C on transcript NM_000918.4 (MANE Select); coding-DNA position 692, A replaced by C.
Protein change: p.His231Pro; replaces histidine 231 with proline.
Molecular consequence: missense variant.
Genome position (GRCh38, 1-based): chr17:81,847,280, T>G on the plus strand (A>C on the coding strand, the complement: P4HB is on the minus strand). VCF-style: chr17-81847280-T-G. GRCh37 (hg19) VCF-style: chr17-79805156-T-G.
Other names: short protein forms H231P.
Identifiers: ClinVar variation 3709124 (VCV003709124.2).